The following is an entry in ClinVar:

ClinVar aggregate classification (germline): Uncertain significance (1 of 4 stars; one submission).

Conditions:
X-linked distal spinal muscular atrophy type 3. Also called: ATP7A-Related Distal Motor Neuropathy; SPINAL MUSCULAR ATROPHY, DISTAL, X-LINKED RECESSIVE; NEURONOPATHY, DISTAL HEREDITARY MOTOR, X-LINKED; NEUROPATHY, DISTAL HEREDITARY MOTOR, X-LINKED. Identifiers: Orphanet 139557, MedGen C1845359, MONDO:0010338, OMIM 300489.
Menkes kinky-hair syndrome (MNK). Also called: Copper transport disease; Menkes Disease; Classic Menkes Disease. Identifiers: Orphanet 565, MedGen C0022716, MONDO:0010651, OMIM 309400.
Cutis laxa, X-linked (OHS). Also called: EDS IX; Occipital horn syndrome. Identifiers: Orphanet 198, MedGen C0268353, MONDO:0010572, OMIM 304150.

Submission:

Labcorp Genetics (formerly Invitae), Labcorp
Classification: Uncertain significance for X-linked distal spinal muscular atrophy type 3; Cutis laxa, X-linked; Menkes kinky-hair syndrome. Last evaluated: 2022-02-07. Review status: criteria provided, single submitter. Criteria: Invitae Variant Classification Sherloc (09022015). Collection method: clinical testing. Allele origin: germline.
Comment: In summary, the available evidence is currently insufficient to determine the role of this variant in disease. Therefore, it has been classified as a Variant of Uncertain Significance. Advanced modeling of protein sequence and biophysical properties (such as structural, functional, and spatial information, amino acid conservation, physicochemical variation, residue mobility, and thermodynamic stability) performed at Invitae indicates that this missense variant is not expected to disrupt ATP7A protein function. This variant has not been reported in the literature in individuals affected with ATP7A-related conditions. This variant is not present in population databases (gnomAD no frequency). This sequence change replaces threonine, which is neutral and polar, with arginine, which is basic and polar, at codon 278 of the ATP7A protein (p.Thr278Arg).

NM_000052.7(ATP7A):c.833C>G (p.Thr278Arg)

Gene: ATP7A (ATPase copper transporting alpha; plus strand). Cytogenetic location: Xq21.1.
Variant type: single nucleotide variant.
Coding change: c.833C>G on transcript NM_000052.7 (MANE Select); coding-DNA position 833, C replaced by G.
Protein change: p.Thr278Arg; replaces threonine 278 with arginine.
Molecular consequence: missense variant.
Genome position (GRCh38, 1-based): chrX:77,989,455, C>G. VCF-style: chrX-77989455-C-G. GRCh37 (hg19) VCF-style: chrX-77244951-C-G.
Other names: c.833C>G, p.Thr278Arg (NM_001282224.2); short protein forms T278R.
Identifiers: ClinVar variation 2094474 (VCV002094474.4), dbSNP rs2522293391, ClinGen allele CA413601123.